The following is an entry in ClinVar:

ClinVar aggregate classification (germline): Conflicting classifications of pathogenicity. Review status: criteria provided, conflicting classifications (1 of 4 stars). 5 submissions from 5 submitters: Uncertain significance (2); Likely benign (3). Last evaluated 2026-02-03.

Conditions:
FAT4-related disorder. Also called: FAT4-related condition.
Inborn genetic diseases. Identifiers: MedGen C0950123, MeSH D030342.

Allele frequency attached by ClinVar (database versions not stated): gnomAD exomes 0.00006 and 0.00008; gnomAD 0.00007; ExAC 0.00008; TOPMed 0.00009; 1000 Genomes Project 0.00020; ESP Exome Variant Server 0.00024; 1000 Genomes Project 30x 0.00031.
gnomAD v4.1: 93 of 1,614,206 alleles (0.0058%); highest among the groups gnomAD compares: Middle Eastern, 0.033%; no homozygotes.

Submissions (5):

Labcorp Genetics (formerly Invitae), Labcorp
Classification: Likely benign. Last evaluated: 2026-02-03. Review status: criteria provided, single submitter. Criteria: Invitae Variant Classification Sherloc (09022015). Collection method: clinical testing. Allele origin: germline.

Blueprint Genetics
Classification: Likely benign. Last evaluated: 2024-08-16. Review status: criteria provided, single submitter. Criteria: ACMG Guidelines, 2015. Collection method: clinical testing. Allele origin: germline.

Ambry Genetics
Classification: Uncertain significance for Inborn genetic diseases. Last evaluated: 2023-12-28. Review status: criteria provided, single submitter. Criteria: Ambry Variant Classification Scheme 2023. Collection method: clinical testing. Allele origin: germline.

PreventionGenetics, part of Exact Sciences
Classification: Uncertain significance for FAT4-related condition. Last evaluated: 2022-09-14. Review status: criteria provided, single submitter. Criteria: ACMG Guidelines, 2015. Collection method: clinical testing. Allele origin: germline.
Comment: The FAT4 c.1802A>G variant is predicted to result in the amino acid substitution p.Glu601Gly. To our knowledge, this variant has not been reported in the literature. This variant is reported in 0.014% of alleles in individuals of European (Non-Finnish) descent in gnomAD. At this time, the clinical significance of this variant is uncertain due to the absence of conclusive functional and genetic evidence.

CeGaT Center for Human Genetics Tuebingen
Classification: Likely benign. Last evaluated: 2022-07-01. Review status: criteria provided, single submitter. Criteria: CeGaT Center For Human Genetics Tuebingen Variant Classification Criteria Version 2. Collection method: clinical testing. Allele origin: germline. Affected: yes. Observed: 1 variant allele.
Comment: FAT4: BP4

NM_001291303.3(FAT4):c.1802A>G (p.Glu601Gly)

Gene: FAT4 (FAT atypical cadherin 4; plus strand). Cytogenetic location: 4q28.1.
Variant type: single nucleotide variant.
Coding change: c.1802A>G on transcript NM_001291303.3 (MANE Select); coding-DNA position 1802, A replaced by G.
Protein change: p.Glu601Gly; replaces glutamic acid 601 with glycine.
Molecular consequence: missense variant.
Genome position (GRCh38, 1-based): chr4:125,318,213, A>G. VCF-style: chr4-125318213-A-G. GRCh37 (hg19) VCF-style: chr4-126239368-A-G.
Other names: c.1802A>G (NM_024582.4); c.1802A>G, p.Glu601Gly (NM_001291285.3, NM_024582.6); short protein forms E601G.
Identifiers: ClinVar variation 1595173 (VCV001595173.34), dbSNP rs377156485, ClinGen allele CA3072052.